The following is an entry in ClinVar:

ClinVar aggregate classification (germline): Likely pathogenic (1 of 4 stars; one submission).

Conditions:
Cornelia de Lange syndrome 4 (CDLS4). Also called: RAD21-Related Cornelia de Lange Syndrome; CORNELIA DE LANGE SYNDROME 4 WITH OR WITHOUT MIDLINE BRAIN DEFECTS. Identifiers: Orphanet 199, MedGen C3553517, MONDO:0013864, OMIM 614701.

Submission:

Variantyx, Inc.
Classification: Likely pathogenic for Cornelia de Lange syndrome 4. Last evaluated: 2025-04-16. Review status: criteria provided, single submitter. Criteria: Variantyx Assertion Criteria 2022. Collection method: clinical testing. Allele origin: germline. Inheritance: Autosomal recessive inheritance. Affected: yes.
Comment: This is a nonsense variant in the RAD21 gene (OMIM: 606462). Pathogenic variants in this gene have been associated with autosomal dominant Cornelia de Lange syndrome 4. This variant introduces a premature termination codon in exon 5 out of 14 and is expected to result in loss of function, which is a known disease mechanism for RAD21 in this disorder (PMID: 22633399, 24378232, 27620904, 27882533) (PVS1). This variant is absent from control populations (PM2) and has not been reported in individuals with RAD21-related disorders in the databases available for review. Based on the current evidence, this variant is classified as likely pathogenic for autosomal dominant Cornelia de Lange syndrome 4.

Literature cited by the submitters: PubMed 22633399; PubMed 24378232; PubMed 27620904; PubMed 27882533.

NM_006265.3(RAD21):c.391C>T (p.Gln131Ter)

Gene: RAD21 (RAD21 cohesin complex component; minus strand). Cytogenetic location: 8q24.11.
Variant type: single nucleotide variant.
Coding change: c.391C>T on transcript NM_006265.3 (MANE Select); coding-DNA position 391, C replaced by T.
Protein change: p.Gln131Ter; replaces glutamine 131 with a stop codon.
Molecular consequence: nonsense.
Genome position (GRCh38, 1-based): chr8:116,858,442, G>A on the plus strand (C>T on the coding strand, the complement: RAD21 is on the minus strand). VCF-style: chr8-116858442-G-A. GRCh37 (hg19) VCF-style: chr8-117870681-G-A.
Other names: short protein forms Q131*.
Identifiers: ClinVar variation 4813845 (VCV004813845.1).
Genomic context (GRCh38, chr8:116,858,442, plus strand): 5'-TCCCAACTTCTTCTCTCATGGTTATCTCTTCCACTCTACTCTGATTCAAGCTGAACTGCT[G>A]GGCCACATCGATGTCACTTTAAAAGAAGGTCAAATACATTTTAGTTTCAAGTCTATGTAT-3'